The following is an entry in ClinVar:

ClinVar aggregate classification (germline): Uncertain significance (1 of 4 stars; one submission).

gnomAD v4.1: 18 of 769,582 alleles (0.0023%); highest among the groups gnomAD compares: Middle Eastern, 0.023%; no homozygotes.

Submission:

CeGaT Center for Human Genetics Tuebingen
Classification: Uncertain significance. Last evaluated: 2026-05-01. Review status: criteria provided, single submitter. Criteria: CeGaT Center For Human Genetics Tuebingen Variant Classification Criteria Version 2. Collection method: clinical testing. Allele origin: germline. Affected: yes. Observed: 1 variant allele.
Comment: C1R: PM2

NM_001733.7(C1R):c.85G>A (p.Val29Met)

Gene: C1R (complement C1r; minus strand). Cytogenetic location: 12p13.31.
Variant type: single nucleotide variant.
Coding change: c.85G>A on transcript NM_001733.7 (MANE Select); coding-DNA position 85, G replaced by A.
Protein change: p.Val29Met; replaces valine 29 with methionine.
Molecular consequence: missense variant.
Genome position (GRCh38, 1-based): chr12:7,091,598, C>T on the plus strand (G>A on the coding strand, the complement: C1R is on the minus strand). VCF-style: chr12-7091598-C-T. GRCh37 (hg19) VCF-style: chr12-7244194-C-T.
Other names: c.127G>A, p.Val43Met (NM_001354346.2); short protein forms V29M, V43M.
Identifiers: ClinVar variation 4873935 (VCV004873935.2).